The following is an entry in ClinVar:

NM_005529.7(HSPG2):c.7210_7233del (p.Glu2404_Gly2411del)

Gene: HSPG2 (heparan sulfate proteoglycan 2; minus strand). Cytogenetic location: 1p36.12.
Variant type: Deletion.
Coding change: c.7210_7233del on transcript NM_005529.7 (MANE Select); coding-DNA positions 7210 to 7233, 24 bases deleted (GAGTACGTGTGCCGAGTGTTGGGC).
Protein change: p.Glu2404_Gly2411del.
Molecular consequence: inframe deletion.
Genome position (GRCh38, 1-based): chr1:21,850,424-21,850,447, GCCCAACACTCGGCACACGTACTC deleted on the plus strand (GAGTACGTGTGCCGAGTGTTGGGC on the coding strand, the reverse complement: HSPG2 is on the minus strand); deleting any 24 consecutive bases within chr1:21,850,424-21,850,451 gives the same sequence; the c. name uses the placement nearest the transcript's 3' end. VCF-style (leftmost placement, unchanged base first): chr1-21850423-TGCCCAACACTCGGCACACGTACTC-T. GRCh37 (hg19) VCF-style: chr1-22176916-TGCCCAACACTCGGCACACGTACTC-T.
Other names: c.7213_7236del, p.Glu2405_Gly2412del (NM_001291860.2).
Identifiers: ClinVar variation 447559 (VCV000447559.15), dbSNP rs761662063, ClinGen allele CA671266.
Genomic context (GRCh38, chr1:21,850,423, plus strand): 5'-CAGGCACTGAGCCCGCAGGCTCAATGGTGACCAGGACAGAGGCCTCTAGAGGCACGGAGC[TGCCCAACACTCGGCACACGTACTC>T]GCCCGAGTCGGCGGGGGACGCTTGGTAGAGTCTCAGCAGGGAGCCGTGGGTCTGGCCAGA-3'

ClinVar aggregate classification (germline): Uncertain significance. Review status: criteria provided, multiple submitters, no conflicts (2 of 4 stars). 3 submissions from 3 submitters: Uncertain significance (3). Last evaluated 2024-10-07.

Submissions (3):

Labcorp Genetics (formerly Invitae), Labcorp
Classification: Uncertain significance. Last evaluated: 2024-10-07. Review status: criteria provided, single submitter. Criteria: Invitae Variant Classification Sherloc (09022015). Collection method: clinical testing. Allele origin: germline.
Comment: This variant, c.7210_7233del, results in the deletion of 8 amino acid(s) of the HSPG2 protein (p.Glu2404_Gly2411del), but otherwise preserves the integrity of the reading frame. This variant is present in population databases (rs761662063, gnomAD 0.01%). This variant has not been reported in the literature in individuals affected with HSPG2-related conditions. ClinVar contains an entry for this variant (Variation ID: 447559). Experimental studies and prediction algorithms are not available or were not evaluated, and the functional significance of this variant is currently unknown. In summary, the available evidence is currently insufficient to determine the role of this variant in disease. Therefore, it has been classified as a Variant of Uncertain Significance.

Athena Diagnostics
Classification: Uncertain significance. Last evaluated: 2019-05-09. Review status: criteria provided, single submitter. Criteria: Athena Diagnostics Criteria. Collection method: clinical testing. Allele origin: germline.

ARUP Laboratories, Molecular Genetics and Genomics, ARUP Laboratories
Classification: Uncertain significance. Last evaluated: 2019-01-11. Review status: criteria provided, single submitter. Criteria: ARUP Molecular Germline Variant Investigation Process. Collection method: clinical testing. Allele origin: germline.
Comment: The HSPG2 c.7210_7233del24; p.Glu2404_Gly2411del variant (rs761662063), to our knowledge, is not described in the medical literature but contains an entry in ClinVar (Variation ID: 447559). It is observed in the non-Finnish European population at an overall frequency of 0.015% (19/126146 alleles) in the Genome Aggregation Database. This variant deletes 8 amino acids (glutamic acid, tyrosine, valine, cysteine, arginine, valine, leucine, glycine), leaving the rest of the protein in frame. Due to the lack of clinical and functional data regarding this variant, its clinical significance cannot be determined with certainty.